The following is an entry in ClinVar:

ClinVar aggregate classification (germline): Pathogenic/Likely pathogenic. Review status: criteria provided, multiple submitters, no conflicts (2 of 4 stars). 2 submissions from 2 submitters: Pathogenic (1); Likely pathogenic (1). Last evaluated 2025-12-23.

Conditions:
Autosomal recessive limb-girdle muscular dystrophy. Identifiers: Orphanet 102015, MedGen C2931907, MONDO:0015152.
Autosomal recessive limb-girdle muscular dystrophy type 2A (LGMDR1). Also called: Limb-girdle muscular dystrophy, type 2A; Calpainopathy; LEYDEN-MOEBIUS MUSCULAR DYSTROPHY; MUSCULAR DYSTROPHY, PELVOFEMORAL; Muscular dystrophy, limb-girdle, type 2A, Amish. Identifiers: Orphanet 267, MedGen C1869123, MONDO:0009675, OMIM 253600. Disease mechanism: loss of function.

gnomAD v4.1: 1 of 1,614,126 alleles (0.000062%); highest among the groups gnomAD compares: East Asian, 0.0022%; no homozygotes.

Submissions (2):

Women's Health and Genetics/Laboratory Corporation of America, LabCorp
Classification: Pathogenic for Autosomal recessive limb-girdle muscular dystrophy. Last evaluated: 2025-12-23. Review status: criteria provided, single submitter. Criteria: LabCorp Variant Classification Summary - May 2015. Collection method: clinical testing. Allele origin: germline.
Comment: Variant summary: CAPN3 c.698G>T (p.Gly233Val) results in a non-conservative amino acid change in the encoded protein sequence. Algorithms developed to predict the effect of missense changes on protein structure and function all suggest that this variant is likely to be disruptive. The variant was absent in 251462 control chromosomes. c.698G>T has been observed in multiple individuals affected with Limb-Girdle Muscular Dystrophy, Autosomal Recessive (examples, Chae_2001). These data indicate that the variant is very likely to be associated with disease. To our knowledge, no experimental evidence demonstrating an impact on protein function has been reported. The following publication has been ascertained in the context of this evaluation (PMID: 11525884). No submitters have cited clinical-significance assessments for this variant to ClinVar. Based on the evidence outlined above, the variant was classified as pathogenic.

Natera, Inc.
Classification: Likely pathogenic for Limb-girdle muscular dystrophy type 2A. Last evaluated: 2025-02-26. Review status: criteria provided, single submitter. Criteria: Natera Variant Classification Schema (03/2026). Collection method: clinical testing. Allele origin: germline.
Comment: The c.698G>T variant in CAPN3 is a missense variant predicted to cause substitution of glycine to valine at amino acid 233. This variant is rare in the general population with a frequency below the threshold expected for the associated phenotype(s). This variant has been observed in one or more individuals affected with the associated recessive disease, as either homozygous or compound heterozygous with a second variant (PMID: 27500519, 25252031, 11525884). Additionally, this variant has been observed to segregate in affected family members (PMID: 11525884). Computational prediction algorithms indicate this variant is likely to affect gene or protein function. Given the available evidence, this variant is classified as Likely Pathogenic.

Literature cited by the submitters: PubMed 11525884 (cited by Women's Health and Genetics/Laboratory Corporation of America, LabCorp and Natera, Inc.); PubMed 27500519 (cited by Natera, Inc.); PubMed 25252031 (cited by Natera, Inc.).

NM_000070.3(CAPN3):c.698G>T (p.Gly233Val)

Gene: CAPN3 (calpain 3; plus strand). Cytogenetic location: 15q15.1.
Variant type: single nucleotide variant.
Coding change: c.698G>T on transcript NM_000070.3 (MANE Select); coding-DNA position 698, G replaced by T.
Protein change: p.Gly233Val; replaces glycine 233 with valine.
Molecular consequence: missense variant.
Genome position (GRCh38, 1-based): chr15:42,388,993, G>T. VCF-style: chr15-42388993-G-T. GRCh37 (hg19) VCF-style: chr15-42681191-G-T.
Other names: c.698G>T, p.Gly233Val (NM_024344.2, NM_173087.2); c.698G>T (NM_000070.2); short protein forms G233V.
Identifiers: ClinVar variation 4688892 (VCV004688892.2).